The following is an entry in ClinVar:

NM_000196.4(HSD11B2):c.168_195del (p.Ala57fs)

Gene: HSD11B2 (hydroxysteroid 11-beta dehydrogenase 2; plus strand). Cytogenetic location: 16q22.1.
Variant type: Deletion.
Coding change: c.168_195del on transcript NM_000196.4 (MANE Select); coding-DNA positions 168 to 195, 28 bases deleted (CGCACTCGCCGTGCTGGCCGCCGCCGGC).
Protein change: p.Ala57fs; shifts the reading frame from alanine 57.
Molecular consequence: frameshift variant.
Genome position (GRCh38, 1-based): chr16:67,431,416-67,431,443, CGCACTCGCCGTGCTGGCCGCCGCCGGC deleted; deleting any 28 consecutive bases within chr16:67,431,408-67,431,443 gives the same sequence; the c. name uses the placement nearest the transcript's 3' end. VCF-style (leftmost placement, unchanged base first): chr16-67431407-CCCGCCGGCCGCACTCGCCGTGCTGGCCG-C. GRCh37 (hg19) VCF-style: chr16-67465310-CCCGCCGGCCGCACTCGCCGTGCTGGCCG-C.
Other names: short protein forms A57fs.
Identifiers: ClinVar variation 2876313 (VCV002876313.3), dbSNP rs2040932336, ClinGen allele CA2229333981.

ClinVar aggregate classification (germline): Pathogenic (1 of 4 stars; one submission).

Submission:

Labcorp Genetics (formerly Invitae), Labcorp
Classification: Pathogenic. Last evaluated: 2023-08-04. Review status: criteria provided, single submitter. Criteria: Invitae Variant Classification Sherloc (09022015). Collection method: clinical testing. Allele origin: germline.
Comment: For these reasons, this variant has been classified as Pathogenic. This variant has not been reported in the literature in individuals affected with HSD11B2-related conditions. This variant is not present in population databases (gnomAD no frequency). This sequence change creates a premature translational stop signal (p.Ala57Glyfs*51) in the HSD11B2 gene. It is expected to result in an absent or disrupted protein product. Loss-of-function variants in HSD11B2 are known to be pathogenic (PMID: 12860834, 15134813, 17314322).

Literature cited by the submitters: PubMed 12860834; PubMed 15134813; PubMed 17314322.